The following is an entry in ClinVar:

ClinVar aggregate classification (germline): Pathogenic/Likely pathogenic. Review status: criteria provided, multiple submitters, no conflicts (2 of 4 stars). 3 submissions from 3 submitters: Pathogenic (1); Likely pathogenic (1). 1 of the submissions does not count toward it. Last evaluated 2026-01-06.

Conditions:
Tay-Sachs disease (TSD). Also called: HEXA DEFICIENCY; GM2 gangliosidosis, type 1; Hexosaminidase alpha-subunit deficiency (variant B); Sphingolipidosis, Tay-Sachs; Hexosaminidase A Deficiency; HEXA Disorders. Identifiers: Orphanet 845, MedGen C0039373, MONDO:0010100, OMIM 272800.

Submissions (3):

Natera, Inc.
Classification: Likely pathogenic for Tay-Sachs disease. Last evaluated: 2026-01-06. Review status: criteria provided, single submitter. Criteria: Natera Variant Classification Schema (03/2026). Collection method: clinical testing. Allele origin: germline.
Comment: The c.465delT variant in HEXA is a frameshift variant predicted to shift the reading frame beginning at codon 155 and leads to a stop codon 44 codons downstream. This variant is expected to result in nonsense mediated decay, truncation, or a dysfunctional protein product. This variant is rare in the general population with a frequency below the threshold expected for the associated phenotype(s). Given the available evidence, this variant is classified as Likely Pathogenic.

Labcorp Genetics (formerly Invitae), Labcorp
Classification: Pathogenic for Tay-Sachs disease. Last evaluated: 2018-12-14. Review status: criteria provided, single submitter. Criteria: Invitae Variant Classification Sherloc (09022015). Collection method: clinical testing. Allele origin: germline.
Comment: This variant is not present in population databases (ExAC no frequency). For these reasons, this variant has been classified as Pathogenic. Loss-of-function variants in HEXA are known to be pathogenic (PMID: 1833974, 8490625). This variant has not been reported in the literature in individuals with HEXA-related conditions. ClinVar contains an entry for this variant (Variation ID: 370895). This sequence change creates a premature translational stop signal (p.Phe155Leufs*44) in the HEXA gene. It is expected to result in an absent or disrupted protein product.

Counsyl
Classification: Likely pathogenic for Tay-Sachs disease. Last evaluated: 2016-05-11. Review status: no assertion criteria provided. Collection method: clinical testing. Allele origin: unknown. Not counted in ClinVar's aggregate classification.

Literature cited by the submitters: PubMed 1833974 (cited by Labcorp Genetics (formerly Invitae), Labcorp); PubMed 8490625 (cited by Labcorp Genetics (formerly Invitae), Labcorp).

NM_000520.6(HEXA):c.465del (p.Phe155fs)

Gene: HEXA (hexosaminidase subunit alpha; minus strand). Cytogenetic location: 15q23.
Variant type: Deletion.
Coding change: c.465del on transcript NM_000520.6 (MANE Select); coding-DNA position 465, one base deleted (T; older notation c.465delT).
Protein change: p.Phe155fs; shifts the reading frame from phenylalanine 155.
Molecular consequence: frameshift variant. On other transcripts: non-coding transcript variant (1).
Genome position (GRCh38, 1-based): chr15:72,353,173, A deleted on the plus strand (T on the coding strand, the reverse complement: HEXA is on the minus strand); the first of 3 consecutive A bases (chr15:72,353,173-72,353,175); deleting any one gives the same sequence. VCF-style (leftmost placement, unchanged base first): chr15-72353172-TA-T. GRCh37 (hg19) VCF-style: chr15-72645513-TA-T.
Other names: c.498del, p.Phe166fs (NM_001318825.2); c.465delT (NM_000520.5); short protein forms F166fs, F155fs.
Identifiers: ClinVar variation 370895 (VCV000370895.10), dbSNP rs1057516850, ClinGen allele CA16041738.
Genomic context (GRCh38, chr15:72,353,172, plus strand): 5'-TATCCAACAGCAAGCCCCGGTGAGGAAAGCGGGGAAAGTCCTCAATCTCAGTCTTGTTGA[TA>T]AAGAACTGTGCAGAACAAACATTGAACATGTCAGTTTCAAAGGAAGCTTACTATGGGGGC-3'